The following is an entry in ClinVar:

NM_005876.5(SPEG):c.2152C>G (p.Pro718Ala)

Gene: SPEG (striated muscle enriched protein kinase; plus strand). Cytogenetic location: 2q35.
Variant type: single nucleotide variant.
Coding change: c.2152C>G on transcript NM_005876.5 (MANE Select); coding-DNA position 2152, C replaced by G.
Protein change: p.Pro718Ala; replaces proline 718 with alanine.
Molecular consequence: missense variant.
Genome position (GRCh38, 1-based): chr2:219,451,174, C>G. VCF-style: chr2-219451174-C-G. GRCh37 (hg19) VCF-style: chr2-220315896-C-G.
Other names: short protein forms P718A.
Identifiers: ClinVar variation 1420943 (VCV001420943.6), dbSNP rs2125305150, ClinGen allele CA350728933.

ClinVar aggregate classification (germline): Uncertain significance (1 of 4 stars; one submission).

Submission:

Labcorp Genetics (formerly Invitae), Labcorp
Classification: Uncertain significance. Last evaluated: 2022-07-25. Review status: criteria provided, single submitter. Criteria: Invitae Variant Classification Sherloc (09022015). Collection method: clinical testing. Allele origin: germline.
Comment: In summary, the available evidence is currently insufficient to determine the role of this variant in disease. Therefore, it has been classified as a Variant of Uncertain Significance. Algorithms developed to predict the effect of missense changes on protein structure and function are either unavailable or do not agree on the potential impact of this missense change (SIFT: "Tolerated"; PolyPhen-2: "Probably Damaging"; Align-GVGD: "Class C0"). ClinVar contains an entry for this variant (Variation ID: 1420943). This variant has not been reported in the literature in individuals affected with SPEG-related conditions. This variant is not present in population databases (gnomAD no frequency). This sequence change replaces proline, which is neutral and non-polar, with alanine, which is neutral and non-polar, at codon 718 of the SPEG protein (p.Pro718Ala).